The following is an entry in ClinVar:

NM_181486.4(TBX5):c.1135A>C (p.Met379Leu)

Gene: TBX5 (T-box transcription factor 5; minus strand). Cytogenetic location: 12q24.21.
Variant type: single nucleotide variant.
Coding change: c.1135A>C on transcript NM_181486.4 (MANE Select); coding-DNA position 1135, A replaced by C.
Protein change: p.Met379Leu; replaces methionine 379 with leucine.
Molecular consequence: missense variant.
Genome position (GRCh38, 1-based): chr12:114,355,954, T>G on the plus strand (A>C on the coding strand, the complement: TBX5 is on the minus strand). VCF-style: chr12-114355954-T-G. GRCh37 (hg19) VCF-style: chr12-114793759-T-G.
Other names: c.1135A>C, p.Met379Leu (NM_000192.3); c.985A>C, p.Met329Leu (NM_080717.4); short protein forms M329L, M379L.
Identifiers: ClinVar variation 1729492 (VCV001729492.9), dbSNP rs759607221, ClinGen allele CA6809402.

ClinVar aggregate classification (germline): Uncertain significance. Review status: criteria provided, multiple submitters, no conflicts (2 of 4 stars). 2 submissions from 2 submitters: Uncertain significance (2). Last evaluated 2025-11-06.

Conditions:
Cardiovascular phenotype. Identifiers: MedGen CN230736.
Aortic valve disease 2 (AOVD2). Identifiers: MedGen C3542024, MONDO:0013902, OMIM 614823.

gnomAD v4.1: 8 of 1,613,864 alleles (0.0005%); highest among the groups gnomAD compares: African/African-American, 0.0013%; no homozygotes.

Submissions (2):

Labcorp Genetics (formerly Invitae), Labcorp
Classification: Uncertain significance for Aortic valve disease 2. Last evaluated: 2025-11-06. Review status: criteria provided, single submitter. Criteria: Invitae Variant Classification Sherloc (09022015). Collection method: clinical testing. Allele origin: germline.
Comment: This sequence change replaces methionine, which is neutral and non-polar, with leucine, which is neutral and non-polar, at codon 379 of the TBX5 protein (p.Met379Leu). This variant is present in population databases (rs759607221, gnomAD 0.002%). This variant has not been reported in the literature in individuals affected with TBX5-related conditions. ClinVar contains an entry for this variant (Variation ID: 1729492). Invitae Evidence Modeling of protein sequence and biophysical properties (such as structural, functional, and spatial information, amino acid conservation, physicochemical variation, residue mobility, and thermodynamic stability) indicates that this missense variant is not expected to disrupt TBX5 protein function with a negative predictive value of 80%. In summary, the available evidence is currently insufficient to determine the role of this variant in disease. Therefore, it has been classified as a Variant of Uncertain Significance.

Ambry Genetics
Classification: Uncertain significance for Cardiovascular phenotype. Last evaluated: 2025-10-14. Review status: criteria provided, single submitter. Criteria: Ambry Variant Classification Scheme 2023. Collection method: clinical testing. Allele origin: germline.
Comment: The p.M379L variant (also known as c.1135A>C), located in coding exon 8 of the TBX5 gene, results from an A to C substitution at nucleotide position 1135. The methionine at codon 379 is replaced by leucine, an amino acid with highly similar properties. This amino acid position is highly conserved in available vertebrate species. In addition, the in silico prediction for this alteration is inconclusive. Since supporting evidence is limited at this time, the clinical significance of this alteration remains unclear.